The following is an entry in ClinVar:

ClinVar aggregate classification (germline): Conflicting classifications of pathogenicity. Review status: criteria provided, conflicting classifications (1 of 4 stars). 4 submissions from 4 submitters: Uncertain significance (2); Likely benign (2). Last evaluated 2025-11-09.

Conditions:
Spastic paraplegia. Identifiers: MedGen C0037772, HP:0001258.
Inborn genetic diseases. Identifiers: MedGen C0950123, MeSH D030342.

Allele frequency attached by ClinVar (database versions not stated): gnomAD 0.00005 and 0.00006; gnomAD exomes 0.00005 and 0.00008; ExAC 0.00013; TOPMed 0.00004.
gnomAD v4.1: 82 of 1,608,266 alleles (0.0051%); highest among the groups gnomAD compares: East Asian, 0.0067%; no homozygotes.

Submissions (4):

Labcorp Genetics (formerly Invitae), Labcorp
Classification: Likely benign for Spastic paraplegia. Last evaluated: 2025-11-09. Review status: criteria provided, single submitter. Criteria: Invitae Variant Classification Sherloc (09022015). Collection method: clinical testing. Allele origin: germline.

Ambry Genetics
Classification: Uncertain significance for Inborn genetic diseases. Last evaluated: 2023-01-11. Review status: criteria provided, single submitter. Criteria: Ambry Variant Classification Scheme 2023. Collection method: clinical testing. Allele origin: germline.

CeGaT Center for Human Genetics Tuebingen
Classification: Likely benign. Last evaluated: 2022-06-01. Review status: criteria provided, single submitter. Criteria: CeGaT Center For Human Genetics Tuebingen Variant Classification Criteria Version 2. Collection method: clinical testing. Allele origin: germline. Affected: yes. Observed: 1 variant allele.
Comment: SACS: BP4

Blueprint Genetics
Classification: Uncertain significance. Last evaluated: 2021-04-15. Review status: criteria provided, single submitter. Criteria: ACMG Guidelines, 2015. Collection method: clinical testing. Allele origin: germline.

NM_014363.6(SACS):c.10709T>C (p.Ile3570Thr)

Gene: SACS (sacsin molecular chaperone; minus strand). Cytogenetic location: 13q12.12.
Variant type: single nucleotide variant.
Coding change: c.10709T>C on transcript NM_014363.6 (MANE Select); coding-DNA position 10709, T replaced by C.
Protein change: p.Ile3570Thr; replaces isoleucine 3570 with threonine.
Molecular consequence: missense variant.
Genome position (GRCh38, 1-based): chr13:23,333,167, A>G on the plus strand (T>C on the coding strand, the complement: SACS is on the minus strand). VCF-style: chr13-23333167-A-G. GRCh37 (hg19) VCF-style: chr13-23907306-A-G.
Other names: c.10709T>C (NM_014363.4); c.10268T>C, p.Ile3423Thr (NM_001278055.2); short protein forms I3423T, I3570T.
Identifiers: ClinVar variation 1114399 (VCV001114399.35), dbSNP rs763440838, ClinGen allele CA6910408.